The following is an entry in ClinVar:

ClinVar aggregate classification (germline): Uncertain significance (1 of 4 stars; one submission).

Conditions:
Transcobalamin II deficiency (TCN2D). Also called: TC II DEFICIENCY; TCN2 DEFICIENCY; Transcolabamin II deficiency. Identifiers: Orphanet 859, MedGen C0342701, MONDO:0010149, OMIM 275350.

Allele frequency attached by ClinVar (database versions not stated): gnomAD exomes 0.00001.
gnomAD v4.1: 5 of 1,614,198 alleles (0.00031%); highest among the groups gnomAD compares: Non-Finnish European, 0.00042%; no homozygotes.

Submission:

Labcorp Genetics (formerly Invitae), Labcorp
Classification: Uncertain significance for Transcobalamin II deficiency. Last evaluated: 2021-10-09. Review status: criteria provided, single submitter. Criteria: Invitae Variant Classification Sherloc (09022015). Collection method: clinical testing. Allele origin: germline.
Comment: In summary, the available evidence is currently insufficient to determine the role of this variant in disease. Therefore, it has been classified as a Variant of Uncertain Significance. Algorithms developed to predict the effect of missense changes on protein structure and function (SIFT, PolyPhen-2, Align-GVGD) all suggest that this variant is likely to be disruptive. This variant has not been reported in the literature in individuals affected with TCN2-related conditions. This variant is not present in population databases (ExAC no frequency). This sequence change replaces proline with serine at codon 52 of the TCN2 protein (p.Pro52Ser). The proline residue is highly conserved and there is a moderate physicochemical difference between proline and serine.

NM_000355.4(TCN2):c.154C>T (p.Pro52Ser)

Gene: TCN2 (transcobalamin 2; plus strand). Cytogenetic location: 22q12.2.
Variant type: single nucleotide variant.
Coding change: c.154C>T on transcript NM_000355.4 (MANE Select); coding-DNA position 154, C replaced by T.
Protein change: p.Pro52Ser; replaces proline 52 with serine.
Molecular consequence: missense variant.
Genome position (GRCh38, 1-based): chr22:30,610,960, C>T. VCF-style: chr22-30610960-C-T. GRCh37 (hg19) VCF-style: chr22-31006947-C-T.
Other names: c.154C>T, p.Pro52Ser (NM_001184726.2); short protein forms P52S.
Identifiers: ClinVar variation 460314 (VCV000460314.8), dbSNP rs1555894597, ClinGen allele CA411206136.